The following is an entry in ClinVar:

ClinVar aggregate classification (germline): Pathogenic/Likely pathogenic. Review status: criteria provided, multiple submitters, no conflicts (2 of 4 stars). 3 submissions from 3 submitters: Pathogenic (1); Likely pathogenic (2). Last evaluated 2018-06-07.

Conditions:
Familial thoracic aortic aneurysm and aortic dissection (TAAD). Also called: Thoracic aortic aneurysms and dissections. Identifiers: Orphanet 91387, MedGen C4707243, MONDO:0019625.
Marfan Syndrome/Loeys-Dietz Syndrome/Familial Thoracic Aortic Aneurysms and Dissections. Identifiers: MedGen CN229799.

Submissions (3):

Ambry Genetics
Classification: Pathogenic for Familial thoracic aortic aneurysm and aortic dissection. Last evaluated: 2018-06-07. Review status: criteria provided, single submitter. Criteria: Ambry Variant Classification Scheme 2023. Collection method: clinical testing. Allele origin: germline.
Comment: The p.C623F pathogenic mutation (also known as c.1868G>T), located in coding exon 15 of the FBN1 gene, results from a G to T substitution at nucleotide position 1868. The cysteine at codon 623 is replaced by phenylalanine, an amino acid with highly dissimilar properties. This variant was identified in two individuals with Marfan syndrome (Toudjarska I et al. Am. J. Med. Genet., 2001 Apr;99:294-302; Attanasio M et al. Clin. Genet., 2008 Jul;74:39-46). Based on internal structural assessment, this alteration eliminates a structurally critical disulfide in the structurally sensitive cb EGF-like domain #06. In addition, another disease-causing variant, p.C263G, has been described in the same codon (Stheneur C et al. Eur. J. Hum Genet., 2009 Sep;17(9):1121-8). Based on the supporting evidence, this alteration is interpreted as a disease-causing mutation.

Women's Health and Genetics/Laboratory Corporation of America, LabCorp
Classification: Likely pathogenic for Marfan Syndrome/Loeys-Dietz Syndrome/Familial Thoracic Aortic Aneurysms and Dissections. Last evaluated: 2017-10-16. Review status: criteria provided, single submitter. Criteria: LabCorp Variant Classification Summary - May 2015. Collection method: clinical testing. Allele origin: germline.
Comment: Variant summary: The FBN1 c.1868G>T (p.Cys633Phe) variant involves the alteration of a highly conserved nucleotide. 5/5 in silico tools predict a damaging outcome for this variant. The variant alters one of the Cysteines within the (EGF)-like Ca-binding domain , and therefore amends one of the three intra-domain disulfide bonds, required for proper folding and stabilization of the fibrillin molecule. This variant is absent from the control datasets of ExAC and gnomAD (121410 and 277192 chrs tested). The variant was identified in several MFS patients. In addition, the codon Cys623 appears to be a mutational hot spot, as another alteration, c.1867T>G (Cys623Gly) has been reported in patient dx with MFS. Taken together, this variant is classified as Likely Pathogenic.

ARUP Laboratories, Molecular Genetics and Genomics, ARUP Laboratories
Classification: Likely pathogenic. Last evaluated: 2017-07-07. Review status: criteria provided, single submitter. Criteria: ARUP Molecular Germline Variant Investigation Process. Collection method: clinical testing. Allele origin: germline.
Comment: The FBN1 c.1868G>T;p.Cys623Phe variant has been described in at least two individuals with a clinical diagnosis of Marfan syndrome (Attanasio 2008, Toudjarska 2001). The variant is not listed in the ClinVar database, the dbSNP database, or the general population-based databases (Exome Variant Server, Genome Aggregation Database). This variant occurs in a cysteine residue in one of the EGF-like domains of fibrillin-1 (Wu 1995). Each EGF-like domain contains six highly-conserved cysteines and the disulfide bridges formed between these residues are essential for protein folding; loss of one of these cysteines may interfere with proper disulfide bridge formation, disrupting protein structure. Accordingly, the revised Ghent nosology for Marfan syndrome lists missense variants of cysteine residues as one of the criteria for classification of a variant as pathogenic (Loeys 2010). Therefore, this variant is considered likely pathogenic. References: Attanasio M et al. FBN1 mutation screening of patients with Marfan syndrome and related disorders: detection of 46 novel FBN1 mutations. Clin Genet. 2008 Jul;74(1):39-46. Loeys et al. The revised Ghent nosology for the Marfan syndrome. J. Med. Genet. 2010 47(7): 476-85. Toudjarska I et al. Novel approach to the molecular diagnosis of Marfan syndrome: application to sporadic cases and in prenatal diagnosis. Am J Med Genet. 2001 Apr 1;99(4):294-302. Wu et al. Fibrillin domain folding and calcium binding: significance to Marfan syndrome. Chem. Biol. 1995 2(2):91-7.

Literature cited by the submitters: PubMed 11251996 (cited by Ambry Genetics and Women's Health and Genetics/Laboratory Corporation of America, LabCorp); PubMed 18435798 (cited by Ambry Genetics and Women's Health and Genetics/Laboratory Corporation of America, LabCorp); PubMed 26899731 (cited by Women's Health and Genetics/Laboratory Corporation of America, LabCorp); PubMed 16756980 (cited by Women's Health and Genetics/Laboratory Corporation of America, LabCorp).

NM_000138.5(FBN1):c.1868G>T (p.Cys623Phe)

Gene: FBN1 (fibrillin 1; minus strand). Cytogenetic location: 15q21.1.
Variant type: single nucleotide variant.
Coding change: c.1868G>T on transcript NM_000138.5 (MANE Select); coding-DNA position 1868, G replaced by T.
Protein change: p.Cys623Phe; replaces cysteine 623 with phenylalanine.
Molecular consequence: missense variant.
Genome position (GRCh38, 1-based): chr15:48,505,117, C>A on the plus strand (G>T on the coding strand, the complement: FBN1 is on the minus strand). VCF-style: chr15-48505117-C-A. GRCh37 (hg19) VCF-style: chr15-48797314-C-A.
Other names: short protein forms C623F.
Identifiers: ClinVar variation 618646 (VCV000618646.10), dbSNP rs1566914030, ClinGen allele CA392339144.
Genomic context (GRCh38, chr15:48,505,117, plus strand): 5'-AGTCCAGGGAAGCATTCACATCTGTAGGAGCCATCAGTGTTGACGCAACGCCCATTCATG[C>A]AGATCCCAGGGGTTTCACACTCGTTAATGTCTGTGGCAGAGAAAGGCACTTATTAAAAAT-3'
Protein context (NP_000129.3, residues 613-633): DINECETPGI[Cys623Phe]MNGRCVNTDG